The following is an entry in ClinVar:

ClinVar aggregate classification (germline): Uncertain significance (1 of 4 stars; one submission).

Conditions:
Charcot-Marie-Tooth disease dominant intermediate C (CMTDIC). Also called: CHARCOT-MARIE-TOOTH NEUROPATHY, DOMINANT INTERMEDIATE C. Identifiers: Orphanet 100045, MedGen C1842237, MONDO:0012012, OMIM 608323.

gnomAD v4.1: 1 of 1,614,074 alleles (0.000062%); highest among the groups gnomAD compares: Admixed American, 0.0017%; no homozygotes.

Submission:

Labcorp Genetics (formerly Invitae), Labcorp
Classification: Uncertain significance for Charcot-Marie-Tooth disease dominant intermediate C. Last evaluated: 2023-01-13. Review status: criteria provided, single submitter. Criteria: Invitae Variant Classification Sherloc (09022015). Collection method: clinical testing. Allele origin: germline.
Comment: This sequence change replaces methionine, which is neutral and non-polar, with isoleucine, which is neutral and non-polar, at codon 214 of the YARS protein (p.Met214Ile). This variant is not present in population databases (gnomAD no frequency). This variant has not been reported in the literature in individuals affected with YARS-related conditions. Advanced modeling of protein sequence and biophysical properties (such as structural, functional, and spatial information, amino acid conservation, physicochemical variation, residue mobility, and thermodynamic stability) performed at Invitae indicates that this missense variant is expected to disrupt YARS protein function. In summary, the available evidence is currently insufficient to determine the role of this variant in disease. Therefore, it has been classified as a Variant of Uncertain Significance.

NM_003680.4(YARS1):c.642G>C (p.Met214Ile)

Gene: YARS1 (tyrosyl-tRNA synthetase 1; minus strand). Cytogenetic location: 1p35.1.
Variant type: single nucleotide variant.
Coding change: c.642G>C on transcript NM_003680.4 (MANE Select); coding-DNA position 642, G replaced by C.
Protein change: p.Met214Ile; replaces methionine 214 with isoleucine.
Molecular consequence: missense variant.
Genome position (GRCh38, 1-based): chr1:32,791,204, C>G on the plus strand (G>C on the coding strand, the complement: YARS1 is on the minus strand). VCF-style: chr1-32791204-C-G. GRCh37 (hg19) VCF-style: chr1-33256805-C-G.
Other names: short protein forms M214I.
Identifiers: ClinVar variation 3010569 (VCV003010569.3), dbSNP rs930469813, ClinGen allele CA339686369.
Genomic context (GRCh38, chr1:32,791,204, plus strand): 5'-TCTCAGCTGGCAACTTACCTCTTCTGAAGAGCTCATTTTGCTGCCTGTTAATCCTGGAAC[C>G]ATAGGATTCATCAGATGGACCCGTTTTGAATAGCCAAGTGCAGGGAGGTACTGAGAGATT-3'
Protein context (NP_003671.1, residues 204-224): YSKRVHLMNP[Met214Ile]VPGLTGSKMS